The following is an entry in ClinVar:

ClinVar aggregate classification (germline): Benign/Likely benign. Review status: criteria provided, multiple submitters, no conflicts (2 of 4 stars). 3 submissions from 3 submitters: Benign (1); Likely benign (2). Last evaluated 2025-12-23.

Allele frequency attached by ClinVar (database versions not stated): gnomAD exomes 0.00017 and 0.00034; ExAC 0.00029; 1000 Genomes Project 30x 0.00031; 1000 Genomes Project 0.00040; gnomAD 0.00040 and 0.00041; TOPMed 0.00042; ESP Exome Variant Server 0.00077.
gnomAD v4.1: 308 of 1,576,948 alleles (0.02%); highest among the groups gnomAD compares: African/African-American, 0.11%; 1 homozygote.

Submissions (3):

Labcorp Genetics (formerly Invitae), Labcorp
Classification: Benign. Last evaluated: 2025-12-23. Review status: criteria provided, single submitter. Criteria: Invitae Variant Classification Sherloc (09022015). Collection method: clinical testing. Allele origin: germline.

Blueprint Genetics
Classification: Likely benign. Last evaluated: 2024-02-16. Review status: criteria provided, single submitter. Criteria: ACMG Guidelines, 2015. Collection method: clinical testing. Allele origin: germline.

GeneDx
Classification: Likely benign. Last evaluated: 2020-01-09. Review status: criteria provided, single submitter. Criteria: GeneDx Variant Classification Process June 2021. Collection method: clinical testing. Allele origin: germline. Affected: yes.
Comment: In silico analysis, which includes splice predictors and evolutionary conservation, supports a deleterious effect

NM_002291.3(LAMB1):c.1370-13T>G

Gene: LAMB1 (laminin subunit beta 1; minus strand). Cytogenetic location: 7q31.1.
Variant type: single nucleotide variant.
Coding change: c.1370-13T>G on transcript NM_002291.3 (MANE Select); 13 bases into the intron before coding-DNA position 1370, T replaced by G.
Molecular consequence: intron variant.
Genome position (GRCh38, 1-based): chr7:107,975,111, A>C on the plus strand (T>G on the coding strand, the complement: LAMB1 is on the minus strand). VCF-style: chr7-107975111-A-C. GRCh37 (hg19) VCF-style: chr7-107615556-A-C.
Identifiers: ClinVar variation 392630 (VCV000392630.13), dbSNP rs199712943, ClinGen allele CA4436038.